The following is an entry in ClinVar:

ClinVar aggregate classification (germline): Conflicting classifications of pathogenicity. Review status: criteria provided, conflicting classifications (1 of 4 stars). 2 submissions from 2 submitters: Uncertain significance (1); Likely benign (1). Last evaluated 2026-01-19.

Conditions:
FG syndrome (FGS). Identifiers: MedGen C0220769, MONDO:0002010.

Submissions (2):

Labcorp Genetics (formerly Invitae), Labcorp
Classification: Uncertain significance for FG syndrome. Last evaluated: 2026-01-19. Review status: criteria provided, single submitter. Criteria: Invitae Variant Classification Sherloc (09022015). Collection method: clinical testing. Allele origin: germline.
Comment: This variant, c.6253_6258dup, results in the insertion of 2 amino acid(s) of the MED12 protein (p.Gln2085_Gln2086dup), but otherwise preserves the integrity of the reading frame. The frequency data for this variant in the population databases is considered unreliable, as metrics indicate poor data quality at this position in the gnomAD database. This variant has not been reported in the literature in individuals affected with MED12-related conditions. In summary, the available evidence is currently insufficient to determine the role of this variant in disease. Therefore, it has been classified as a Variant of Uncertain Significance.

GeneDx
Classification: Likely benign. Last evaluated: 2019-12-30. Review status: criteria provided, single submitter. Criteria: GeneDx Variant Classification Process June 2021. Collection method: clinical testing. Allele origin: germline. Affected: yes.

NM_005120.3(MED12):c.6241CAG[8] (p.Gln2085_Gln2086dup)

Gene: MED12 (mediator complex subunit 12; plus strand). Cytogenetic location: Xq13.1.
Variant type: Microsatellite.
Coding change: c.6241CAG[8] on transcript NM_005120.3 (MANE Select); eight copies in a row of the 3-base unit CAG starting at c.6241; the reference has six copies in a row; two copies, 6 bases duplicated.
Protein change: p.Gln2085_Gln2086dup.
Molecular consequence: inframe insertion.
Genome position (GRCh38, 1-based): chrX:71,140,843-71,140,848, CAGCAG duplicated; duplicating any 6 consecutive bases within chrX:71,140,830-71,140,848 gives the same sequence; the position shown is the placement nearest the transcript's 3' end. VCF-style (leftmost placement, unchanged base first): chrX-71140829-G-GGCAGCA. GRCh37 (hg19) VCF-style: chrX-70360679-G-GGCAGCA.
Identifiers: ClinVar variation 1208502 (VCV001208502.6), dbSNP rs786200971, ClinGen allele CA641958622.
Genomic context (GRCh38, chrX:71,140,829, plus strand): 5'-AGCAACAGCAGCAGCAGCAGCAACAGCAACAGCAGCAGCAGCAGCAGCAGTACCACATCC[G>GGCAGCA]GCAGCAGCAGCAGCAGCAGATCCTGCGGGTAAGGCACTGGGATTTCATCTGGGACCTGGG-3'